The following is an entry in ClinVar:

ClinVar aggregate classification (germline): Likely benign. Review status: criteria provided, single submitter (1 of 4 stars). 2 submissions from 2 submitters: Likely benign (1). 1 of the submissions does not count toward it. Last evaluated 2023-02-01.

Conditions:
LRP1B-related disorder. Also called: LRP1B-related condition.

Allele frequency attached by ClinVar (database versions not stated): gnomAD exomes 0.00013; ExAC 0.00036; 1000 Genomes Project 30x 0.00109; ESP Exome Variant Server 0.00131; gnomAD 0.00135; TOPMed 0.00139; 1000 Genomes Project 0.00140.
gnomAD v4.1: 411 of 1,608,868 alleles (0.026%); highest among the groups gnomAD compares: African/African-American, 0.47%; 1 homozygote.

Submissions (2):

CeGaT Center for Human Genetics Tuebingen
Classification: Likely benign. Last evaluated: 2023-02-01. Review status: criteria provided, single submitter. Criteria: CeGaT Center For Human Genetics Tuebingen Variant Classification Criteria Version 2. Collection method: clinical testing. Allele origin: germline. Affected: yes. Observed: 1 variant allele.
Comment: LRP1B: BP4, BP7

PreventionGenetics, part of Exact Sciences
Classification: Likely benign for LRP1B-related condition. Last evaluated: 2020-01-06. Review status: no assertion criteria provided. Collection method: clinical testing. Allele origin: germline. Not counted in ClinVar's aggregate classification.
Comment: This variant is classified as likely benign based on ACMG/AMP sequence variant interpretation guidelines (Richards et al. 2015 PMID: 25741868, with internal and published modifications).

NM_018557.3(LRP1B):c.8262C>T (p.Ser2754=)

Gene: LRP1B (LDL receptor related protein 1B; minus strand). Cytogenetic location: 2q22.1.
Variant type: single nucleotide variant.
Coding change: c.8262C>T on transcript NM_018557.3 (MANE Select); coding-DNA position 8262, C replaced by T.
Protein change: p.Ser2754=; no amino-acid change (serine 2754 retained).
Molecular consequence: synonymous variant.
Genome position (GRCh38, 1-based): chr2:140,514,660, G>A on the plus strand (C>T on the coding strand, the complement: LRP1B is on the minus strand). VCF-style: chr2-140514660-G-A. GRCh37 (hg19) VCF-style: chr2-141272229-G-A.
Other names: c.8262C>T (NM_018557.2).
Identifiers: ClinVar variation 2651387 (VCV002651387.25), dbSNP rs148610209, ClinGen allele CA1894042.
Genomic context (GRCh38, chr2:140,514,660, plus strand): 5'-AGAGCATATATAATGCTTAAAAACTGATTGAGGACAGAAGATACACAACTTACCACAAAT[G>A]CTGTCACTTTCATCTAACCCATCCCCACAGTCATCTTCTCCATCACAAATCCAATGCTTA-3'
Protein context (NP_061027.2, residues 2744-2764): DCGDGLDESD[Ser2754=]ICGAITCAAD